The following is an entry in ClinVar:

NM_001232.4(CASQ2):c.337A>C (p.Ser113Arg)

Gene: CASQ2 (calsequestrin 2; minus strand). Cytogenetic location: 1p13.1.
Variant type: single nucleotide variant.
Coding change: c.337A>C on transcript NM_001232.4 (MANE Select); coding-DNA position 337, A replaced by C.
Protein change: p.Ser113Arg; replaces serine 113 with arginine.
Molecular consequence: missense variant.
Genome position (GRCh38, 1-based): chr1:115,740,811, T>G on the plus strand (A>C on the coding strand, the complement: CASQ2 is on the minus strand). VCF-style: chr1-115740811-T-G. GRCh37 (hg19) VCF-style: chr1-116283432-T-G.
Other names: short protein forms S113R.
Identifiers: ClinVar variation 2960454 (VCV002960454.3), dbSNP rs758425455, ClinGen allele CA1023935.
Genomic context (GRCh38, chr1:115,740,811, plus strand): 5'-CATCAGCTGCAAACTCGCCATCAAACTCTATTGTGCGATCACCCTTAAGAATATACAGGC[T>G]TCCTTCTTCATCAAAACCTGTAAGAAACAAAGAGGCCCACAGAGAAGGTCATCCTGACGT-3'
Protein context (NP_001223.2, residues 103-123): AKKLGFDEEG[Ser113Arg]LYILKGDRTI

ClinVar aggregate classification (germline): Uncertain significance. Review status: criteria provided, multiple submitters, no conflicts (2 of 4 stars). 2 submissions from 2 submitters: Uncertain significance (2). Last evaluated 2024-07-17.

Conditions:
Catecholaminergic polymorphic ventricular tachycardia 1. Also called: VENTRICULAR TACHYCARDIA, CATECHOLAMINERGIC POLYMORPHIC, 1, WITH OR WITHOUT ATRIAL DYSFUNCTION AND/OR DILATED CARDIOMYOPATHY; RYR2-Related Catecholaminergic Polymorphic Ventricular Tachycardia; VENTRICULAR TACHYCARDIA, STRESS-INDUCED POLYMORPHIC 1. Identifiers: Orphanet 3286, MedGen C1631597, MONDO:0011484, OMIM 604772.
Cardiovascular phenotype. Identifiers: MedGen CN230736.

Allele frequency attached by ClinVar (database versions not stated): ExAC 0.00001; gnomAD exomes 0.00001.
gnomAD v4.1: 8 of 1,611,938 alleles (0.0005%); highest among the groups gnomAD compares: Non-Finnish European, 0.00068%; no homozygotes.

Submissions (2):

Ambry Genetics
Classification: Uncertain significance for Cardiovascular phenotype. Last evaluated: 2024-07-17. Review status: criteria provided, single submitter. Criteria: Ambry Variant Classification Scheme 2023. Collection method: clinical testing. Allele origin: germline.
Comment: The p.S113R variant (also known as c.337A>C), located in coding exon 3 of the CASQ2 gene, results from an A to C substitution at nucleotide position 337. The serine at codon 113 is replaced by arginine, an amino acid with dissimilar properties. This amino acid position is conserved. In addition, the in silico prediction for this alteration is inconclusive. Based on the available evidence, the clinical significance of this variant remains unclear.

Labcorp Genetics (formerly Invitae), Labcorp
Classification: Uncertain significance for Catecholaminergic polymorphic ventricular tachycardia 1. Last evaluated: 2023-11-15. Review status: criteria provided, single submitter. Criteria: Invitae Variant Classification Sherloc (09022015). Collection method: clinical testing. Allele origin: germline.
Comment: This sequence change replaces serine, which is neutral and polar, with arginine, which is basic and polar, at codon 113 of the CASQ2 protein (p.Ser113Arg). This variant is present in population databases (rs758425455, gnomAD 0.002%). This variant has not been reported in the literature in individuals affected with CASQ2-related conditions. Advanced modeling of protein sequence and biophysical properties (such as structural, functional, and spatial information, amino acid conservation, physicochemical variation, residue mobility, and thermodynamic stability) performed at Invitae indicates that this missense variant is not expected to disrupt CASQ2 protein function with a negative predictive value of 80%. In summary, the available evidence is currently insufficient to determine the role of this variant in disease. Therefore, it has been classified as a Variant of Uncertain Significance.